The following is an entry in ClinVar:

ClinVar aggregate classification (germline): Uncertain significance (1 of 4 stars; one submission).

Conditions:
Ataxia-telangiectasia syndrome (AT). Also called: Ataxia telangiectasia (A-T); ATAXIA-TELANGIECTASIA, COMPLEMENTATION GROUP A; ATAXIA-TELANGIECTASIA, FRESNO VARIANT; Ataxia-telangiectasia; Ataxia-telangiectasia, complementation group E; LOUIS-BAR SYNDROME. Identifiers: Orphanet 100, MedGen C0004135, MONDO:0008840, OMIM 208900.

Submission:

Labcorp Genetics (formerly Invitae), Labcorp
Classification: Uncertain significance for Ataxia-telangiectasia syndrome. Last evaluated: 2020-06-21. Review status: criteria provided, single submitter. Criteria: Invitae Variant Classification Sherloc (09022015). Collection method: clinical testing. Allele origin: germline.
Comment: This sequence change replaces asparagine with tyrosine at codon 2697 of the ATM protein (p.Asn2697Tyr). The asparagine residue is highly conserved and there is a large physicochemical difference between asparagine and tyrosine. This variant is not present in population databases (ExAC no frequency). This variant has not been reported in the literature in individuals with ATM-related conditions. Algorithms developed to predict the effect of missense changes on protein structure and function (SIFT, PolyPhen-2, Align-GVGD) all suggest that this variant is likely to be disruptive, but these predictions have not been confirmed by published functional studies and their clinical significance is uncertain. In summary, the available evidence is currently insufficient to determine the role of this variant in disease. Therefore, it has been classified as a Variant of Uncertain Significance.

NM_000051.4(ATM):c.8089A>T (p.Asn2697Tyr)

Genes: ATM (ATM serine/threonine kinase; plus strand), C11orf65 (chromosome 11 open reading frame 65; minus strand). Cytogenetic location: 11q22.3.
Variant type: single nucleotide variant.
Coding change: c.8089A>T on transcript NM_000051.4 (MANE Select); coding-DNA position 8089, A replaced by T.
Protein change: p.Asn2697Tyr; replaces asparagine 2697 with tyrosine.
Molecular consequence: missense variant. On other transcripts: intron variant (2).
Genome position (GRCh38, 1-based): chr11:108,335,047, A>T. VCF-style: chr11-108335047-A-T. GRCh37 (hg19) VCF-style: chr11-108205774-A-T.
Other names: c.8089A>T, p.Asn2697Tyr (NM_001351834.2); c.641-25976T>A (NM_001330368.2); c.*38+173T>A (NM_001351110.2); short protein forms N2697Y.
Identifiers: ClinVar variation 1054611 (VCV001054611.9), dbSNP rs1555127177, ClinGen allele CA382562054.